The following is an entry in ClinVar:

NM_000112.4(SLC26A2):c.1178G>A (p.Gly393Asp)

Gene: SLC26A2 (solute carrier family 26 member 2; plus strand). Cytogenetic location: 5q32.
Variant type: single nucleotide variant.
Coding change: c.1178G>A on transcript NM_000112.4 (MANE Select); coding-DNA position 1178, G replaced by A.
Protein change: p.Gly393Asp; replaces glycine 393 with aspartic acid.
Molecular consequence: missense variant.
Genome position (GRCh38, 1-based): chr5:149,980,771, G>A. VCF-style: chr5-149980771-G-A. GRCh37 (hg19) VCF-style: chr5-149360334-G-A.
Other names: short protein forms G393D.
Identifiers: ClinVar variation 196212 (VCV000196212.10), dbSNP rs794727476, ClinGen allele CA243100.

ClinVar aggregate classification (germline): Uncertain significance. Review status: criteria provided, multiple submitters, no conflicts (2 of 4 stars). 2 submissions from 2 submitters: Uncertain significance (2). Last evaluated 2024-09-04.

Conditions:
Multiple epiphyseal dysplasia type 4 (EDM4). Also called: MULTIPLE EPIPHYSEAL DYSPLASIA WITH BILAYERED PATELLAE; MULTIPLE EPIPHYSEAL DYSPLASIA WITH CLUBFOOT; MULTIPLE EPIPHYSEAL DYSPLASIA, AUTOSOMAL RECESSIVE; SLC26A2-Related Multiple Epiphyseal Dysplasia; Multiple Epiphyseal Dysplasia, Recessive. Identifiers: Orphanet 93307, MedGen C1847593, MONDO:0009189, OMIM 226900.
Achondrogenesis, type IB (ACG1B). Also called: Achondrogenesis Type 1B. Identifiers: Orphanet 932, Orphanet 93298, MedGen C0265274, MONDO:0010966, OMIM 600972.
Atelosteogenesis type II (AO2). Also called: NEONATAL OSSEOUS DYSPLASIA I; Neonatal osseous dysplasia 1; SLC26A2-Related Atelosteogenesis. Identifiers: Orphanet 56304, MedGen C1850554, MONDO:0009727, OMIM 256050.
Diastrophic dysplasia (DTD). Also called: Diastrophic dwarfism. Identifiers: Orphanet 628, MedGen C0220726, MONDO:0009107, OMIM 222600.

Allele frequency attached by ClinVar (database versions not stated): TOPMed below 0.00001; gnomAD 0.00001; gnomAD exomes 0.00001.
gnomAD v4.1: 12 of 1,613,848 alleles (0.00074%); highest among the groups gnomAD compares: African/African-American, 0.0013%; no homozygotes.

Submissions (2):

Labcorp Genetics (formerly Invitae), Labcorp
Classification: Uncertain significance for Atelosteogenesis type II; Multiple epiphyseal dysplasia type 4; Achondrogenesis, type IB; Diastrophic dysplasia. Last evaluated: 2024-09-04. Review status: criteria provided, single submitter. Criteria: Invitae Variant Classification Sherloc (09022015). Collection method: clinical testing. Allele origin: germline.
Comment: This sequence change replaces glycine, which is neutral and non-polar, with aspartic acid, which is acidic and polar, at codon 393 of the SLC26A2 protein (p.Gly393Asp). This variant is not present in population databases (gnomAD no frequency). This missense change has been observed in individual(s) with multiple epiphyseal dysplasia (internal data). In at least one individual the data is consistent with being in trans (on the opposite chromosome) from a pathogenic variant. ClinVar contains an entry for this variant (Variation ID: 196212). Invitae Evidence Modeling of protein sequence and biophysical properties (such as structural, functional, and spatial information, amino acid conservation, physicochemical variation, residue mobility, and thermodynamic stability) indicates that this missense variant is not expected to disrupt SLC26A2 protein function with a negative predictive value of 80%. In summary, the available evidence is currently insufficient to determine the role of this variant in disease. Therefore, it has been classified as a Variant of Uncertain Significance.

Eurofins Ntd Llc (ga)
Classification: Uncertain significance. Last evaluated: 2016-04-15. Review status: criteria provided, single submitter. Criteria: EGL Classification Definitions 2015. Collection method: clinical testing. Allele origin: germline. Observed: 2 variant alleles, 2 heterozygotes.